The following is an entry in ClinVar:

NM_006158.5(NEFL):c.*878A>G

Gene: NEFL (neurofilament light chain; minus strand). Cytogenetic location: 8p21.2.
Variant type: single nucleotide variant.
Coding change: c.*878A>G on transcript NM_006158.5 (MANE Select); 878 bases downstream of the stop codon, A replaced by G.
Molecular consequence: 3 prime UTR variant.
Genome position (GRCh38, 1-based): chr8:24,951,932, T>C on the plus strand (A>G on the coding strand, the complement: NEFL is on the minus strand). VCF-style: chr8-24951932-T-C. GRCh37 (hg19) VCF-style: chr8-24809445-T-C.
Identifiers: ClinVar variation 362630 (VCV000362630.5), dbSNP rs189452316, ClinGen allele CA10625235.
Genomic context (GRCh38, chr8:24,951,932, plus strand): 5'-CATGATATTTAGACTATATTTTAAAATGCAGTTATAGGGATGAATGTATGGGATTCATAT[T>C]CTATCCATATTGCATTGTGACATATCAGTTTGAAATGACCTATTTATCATGGTTCCATAG-3'

ClinVar aggregate classification (germline): Benign (1 of 4 stars; one submission).

Conditions:
Charcot-Marie-Tooth disease type 1F. Also called: CHARCOT-MARIE-TOOTH NEUROPATHY, TYPE 1F; Charcot-Marie-Tooth disease, demyelinating, type 1f. Identifiers: Orphanet 101085, MedGen C1843164, MONDO:0011902, OMIM 607734.

Allele frequency attached by ClinVar (database versions not stated): gnomAD 0.00034 and 0.00053; TOPMed 0.00072; 1000 Genomes Project 0.00260; 1000 Genomes Project 30x 0.00297.

Submission:

Illumina Laboratory Services, Illumina
Classification: Benign for Charcot-Marie-Tooth disease type 1F. Last evaluated: 2018-01-13. Review status: criteria provided, single submitter. Criteria: ICSL Variant Classification Criteria 13 December 2019. Collection method: clinical testing. Allele origin: germline.
Comment: This variant was observed in the ICSL laboratory as part of a predisposition screen in an ostensibly healthy population. It had not been previously curated by ICSL or reported in the Human Gene Mutation Database (HGMD: prior to June 1st, 2018), and was therefore a candidate for classification through an automated scoring system. Utilizing variant allele frequency, disease prevalence and penetrance estimates, and inheritance mode, an automated score was calculated to assess if this variant is too frequent to cause the disease. Based on the score and internal cut-off values, a variant classified as benign is not then subjected to further curation. The score for this variant resulted in a classification of benign for this disease.